The following is an entry in ClinVar:

NM_002025.4(AFF2):c.1262+6T>C

Gene: AFF2 (AF4/FMR2 family member 2; plus strand). Cytogenetic location: Xq28.
Variant type: single nucleotide variant.
Coding change: c.1262+6T>C on transcript NM_002025.4 (MANE Select); 6 bases into the intron after coding-DNA position 1262, T replaced by C.
Molecular consequence: intron variant.
Genome position (GRCh38, 1-based): chrX:148,843,439, T>C. VCF-style: chrX-148843439-T-C. GRCh37 (hg19) VCF-style: chrX-147924963-T-C.
Other names: c.1157+24T>C (NM_001169124.2); c.1232+24T>C (NM_001169123.2); c.1163+6T>C (NM_001169122.2); c.1145+24T>C (NM_001169125.2); c.185+6T>C (NM_001170628.1).
Identifiers: ClinVar variation 387381 (VCV000387381.2), dbSNP rs782244962, ClinGen allele CA10536953.

ClinVar aggregate classification (germline): Uncertain significance (1 of 4 stars; one submission).

Allele frequency attached by ClinVar (database versions not stated): ExAC 0.00001; gnomAD exomes 0.00001.

Submission:

GeneDx
Classification: Uncertain significance. Last evaluated: 2018-10-02. Review status: criteria provided, single submitter. Criteria: GeneDx Variant Classification (06012015). Collection method: clinical testing. Allele origin: germline. Affected: yes.
Comment: The c.1262+6T>C variant in the AFF2 gene has not been reported previously as a pathogenic variant nor as a benign variant, to our knowledge. This variant reduces the quality of the splice donor site in intron 7, and is expected to cause abnormal gene splicing. The c.1262+6T>C variant was not observed in approximately 6,500 individuals of European and African American ancestry in the NHLBI Exome Sequencing Project, indicating it is not a common benign variant in these populations. We interpret c.1262+6T>C as a variant of uncertain significance.